The following is an entry in ClinVar:

NM_006502.3(POLH):c.838C>T (p.Gln280Ter)

Gene: POLH (DNA polymerase eta; plus strand). Cytogenetic location: 6p21.1.
Variant type: single nucleotide variant.
Coding change: c.838C>T on transcript NM_006502.3 (MANE Select); coding-DNA position 838, C replaced by T.
Protein change: p.Gln280Ter; replaces glutamine 280 with a stop codon.
Molecular consequence: nonsense.
Genome position (GRCh38, 1-based): chr6:43,603,965, C>T. VCF-style: chr6-43603965-C-T. GRCh37 (hg19) VCF-style: chr6-43571702-C-T.
Other names: c.466C>T, p.Gln156Ter (NM_001291969.2); c.838C>T, p.Gln280Ter (NM_001291970.2); short protein forms Q156*, Q280*.
Identifiers: ClinVar variation 2697211 (VCV002697211.3), dbSNP rs2532465562, ClinGen allele CA364258761.

ClinVar aggregate classification (germline): Pathogenic (1 of 4 stars; one submission).

Submission:

Labcorp Genetics (formerly Invitae), Labcorp
Classification: Pathogenic. Last evaluated: 2023-11-18. Review status: criteria provided, single submitter. Criteria: Invitae Variant Classification Sherloc (09022015). Collection method: clinical testing. Allele origin: germline.
Comment: This sequence change creates a premature translational stop signal (p.Gln280*) in the POLH gene. It is expected to result in an absent or disrupted protein product. Loss-of-function variants in POLH are known to be pathogenic (PMID: 11773631, 24130121, 25256075). This variant is not present in population databases (gnomAD no frequency). This variant has not been reported in the literature in individuals affected with POLH-related conditions. Algorithms developed to predict the effect of sequence changes on RNA splicing suggest that this variant may disrupt the consensus splice site. For these reasons, this variant has been classified as Pathogenic.

Literature cited by the submitters: PubMed 11773631; PubMed 24130121; PubMed 25256075.